The following is an entry in ClinVar:

ClinVar aggregate classification (germline): Benign/Likely benign. Review status: criteria provided, multiple submitters, no conflicts (2 of 4 stars). 5 submissions from 5 submitters: Benign (4); Likely benign (1). Last evaluated 2024-11-27.

Conditions:
Thrombocytopenia. Identifiers: MedGen C0040034, MeSH D013921, MONDO:0002049, HP:0001873.

Allele frequency attached by ClinVar (database versions not stated): TOPMed 0.83274; ESP Exome Variant Server 0.84066; 1000 Genomes Project 30x 0.85509; 1000 Genomes Project 0.85523.

Submissions (5):

Blueprint Genetics
Classification: Likely benign. Last evaluated: 2024-11-27. Review status: criteria provided, single submitter. Criteria: ACMG Guidelines, 2015. Collection method: clinical testing. Allele origin: germline.

GeneDx
Classification: Benign. Last evaluated: 2021-06-19. Review status: criteria provided, single submitter. Criteria: GeneDx Variant Classification Process June 2021. Collection method: clinical testing. Allele origin: germline. Affected: yes.

Illumina Laboratory Services, Illumina
Classification: Benign for Thrombocytopenia. Last evaluated: 2018-01-13. Review status: criteria provided, single submitter. Criteria: ICSL Variant Classification Criteria 13 December 2019. Collection method: clinical testing. Allele origin: germline.
Comment: This variant was observed in the ICSL laboratory as part of a predisposition screen in an ostensibly healthy population. It had not been previously curated by ICSL or reported in the Human Gene Mutation Database (HGMD: prior to June 1st, 2018), and was therefore a candidate for classification through an automated scoring system. Utilizing variant allele frequency, disease prevalence and penetrance estimates, and inheritance mode, an automated score was calculated to assess if this variant is too frequent to cause the disease. Based on the score and internal cut-off values, a variant classified as benign is not then subjected to further curation. The score for this variant resulted in a classification of benign for this disease.

Breakthrough Genomics
Classification: Benign. Review status: criteria provided, single submitter. Criteria: ACMG Guidelines, 2015. Collection method: not provided. Allele origin: germline. Inheritance: Unknown mechanism. Affected: yes.

PreventionGenetics, part of Exact Sciences
Classification: Benign. Review status: criteria provided, single submitter. Criteria: ACMG Guidelines, 2015. Collection method: clinical testing. Allele origin: germline.

NM_001172303.3(MASTL):c.-12T>G

Gene: MASTL (microtubule associated serine/threonine kinase like; plus strand). Cytogenetic location: 10p12.1.
Variant type: single nucleotide variant.
Coding change: c.-12T>G on transcript NM_001172303.3 (MANE Select); 12 bases upstream of the start codon, T replaced by G.
Molecular consequence: 5 prime UTR variant. On other transcripts: non-coding transcript variant (1).
Genome position (GRCh38, 1-based): chr10:27,155,415, T>G. VCF-style: chr10-27155415-T-G. GRCh37 (hg19) VCF-style: chr10-27444344-T-G.
Other names: c.-12T>G (NM_001172304.3, NM_001320756.2, NM_001320757.2 and 1 more transcripts); c.-615T>G (NM_001372029.1, NM_001372030.1).
Identifiers: ClinVar variation 262111 (VCV000262111.10), dbSNP rs7907988, ClinGen allele CA5449865.